The following is an entry in ClinVar:

NM_000093.5(COL5A1):c.787-181C>T

Gene: COL5A1 (collagen type V alpha 1 chain; plus strand). Cytogenetic location: 9q34.3.
Variant type: single nucleotide variant.
Coding change: c.787-181C>T on transcript NM_000093.5 (MANE Select); 181 bases into the intron before coding-DNA position 787, C replaced by T.
Molecular consequence: intron variant.
Genome position (GRCh38, 1-based): chr9:134,728,489, C>T. VCF-style: chr9-134728489-C-T. GRCh37 (hg19) VCF-style: chr9-137620335-C-T.
Other names: c.787-181C>T (NM_001278074.1).
Identifiers: ClinVar variation 674674 (VCV000674674.1), dbSNP rs111936833, ClinGen allele CA13040886.

ClinVar aggregate classification (germline): Likely benign (1 of 4 stars; one submission).

Allele frequency attached by ClinVar (database versions not stated): 1000 Genomes Project 30x 0.01452; 1000 Genomes Project 0.01478; TOPMed 0.02362; gnomAD 0.02535 and 0.02537.
gnomAD v4.1: 3,901 of 152,306 alleles (2.6%); highest among the groups gnomAD compares: Non-Finnish European, 3.7%; 72 homozygotes.

Submission:

GeneDx
Classification: Likely benign. Last evaluated: 2018-06-14. Review status: criteria provided, single submitter. Criteria: GeneDx Variant Classification (06012015). Collection method: clinical testing. Allele origin: germline. Affected: yes.
Comment: This variant is considered likely benign or benign based on one or more of the following criteria: it is a conservative change, it occurs at a poorly conserved position in the protein, it is predicted to be benign by multiple in silico algorithms, and/or has population frequency not consistent with disease.